The following is an entry in ClinVar:

NM_182961.4(SYNE1):c.3749C>G (p.Ser1250Cys)

Gene: SYNE1 (spectrin repeat containing nuclear envelope protein 1; minus strand). Cytogenetic location: 6q25.2.
Variant type: single nucleotide variant.
Coding change: c.3749C>G on transcript NM_182961.4 (MANE Select); coding-DNA position 3749, C replaced by G.
Protein change: p.Ser1250Cys; replaces serine 1250 with cysteine.
Molecular consequence: missense variant.
Genome position (GRCh38, 1-based): chr6:152,444,499, G>C on the plus strand (C>G on the coding strand, the complement: SYNE1 is on the minus strand). VCF-style: chr6-152444499-G-C. GRCh37 (hg19) VCF-style: chr6-152765634-G-C.
Other names: c.3770C>G, p.Ser1257Cys (NM_033071.5); short protein forms S1250C, S1257C.
Identifiers: ClinVar variation 1023919 (VCV001023919.8), dbSNP rs775456029, ClinGen allele CA4058756.
Genomic context (GRCh38, chr6:152,444,499, plus strand): 5'-TCAAACAGATTTTCAGTATCCAAGATCTTCTCAGCTTGTTCCTGGACTTCTTTAGAGCCA[G>C]AAATTAATTCTTCGAGAGAATTTTTGACTATTTCTTTGTACTGGACACAGTCCCCAAAAT-3'
Protein context (NP_892006.3, residues 1240-1260): IVKNSLEELI[Ser1250Cys]GSKEVQEQAE

ClinVar aggregate classification (germline): Uncertain significance (1 of 4 stars; one submission).

Conditions:
Autosomal recessive ataxia, Beauce type. Also called: ATAXIA, RECESSIVE, OF BEAUCE; Spinocerebellar ataxia, autosomal recessive 8; SYNE1-Related Autosomal Recessive Cerebellar Ataxia; SYNE1 Deficiency. Identifiers: Orphanet 88644, MedGen C1853116, MONDO:0012549, OMIM 610743.
Emery-Dreifuss muscular dystrophy 4, autosomal dominant (EDMD4). Also called: EMERY-DREIFUSS MUSCULAR DYSTROPHY 4 WITH VARIABLE FEATURES. Identifiers: Orphanet 261, MedGen C2751807, MONDO:0013071, OMIM 612998.

Allele frequency attached by ClinVar (database versions not stated): gnomAD exomes 0.00003 and 0.00008; ExAC 0.00007; gnomAD below 0.00001 and 0.00001; TOPMed below 0.00001.
gnomAD v4.1: 49 of 1,613,740 alleles (0.003%); highest among the groups gnomAD compares: South Asian, 0.053%; 3 homozygotes.

Submission:

Labcorp Genetics (formerly Invitae), Labcorp
Classification: Uncertain significance for Emery-Dreifuss muscular dystrophy 4, autosomal dominant; Autosomal recessive ataxia, Beauce type. Last evaluated: 2023-07-07. Review status: criteria provided, single submitter. Criteria: Invitae Variant Classification Sherloc (09022015). Collection method: clinical testing. Allele origin: germline.
Comment: An algorithm developed to predict the effect of missense changes on protein structure and function (PolyPhen-2) suggests that this variant is likely to be disruptive. In summary, the available evidence is currently insufficient to determine the role of this variant in disease. Therefore, it has been classified as a Variant of Uncertain Significance. ClinVar contains an entry for this variant (Variation ID: 1023919). This variant has not been reported in the literature in individuals affected with SYNE1-related conditions. This variant is present in population databases (rs775456029, gnomAD 0.07%). This sequence change replaces serine, which is neutral and polar, with cysteine, which is neutral and slightly polar, at codon 1257 of the SYNE1 protein (p.Ser1257Cys).